The following is an entry in ClinVar:

NM_001211.6(BUB1B):c.2735T>C (p.Phe912Ser)

Genes: BUB1B (BUB1 mitotic checkpoint serine/threonine kinase B; plus strand), BUB1B-PAK6 (BUB1B-PAK6 readthrough; plus strand). Cytogenetic location: 15q15.1.
Variant type: single nucleotide variant.
Coding change: c.2735T>C on transcript NM_001211.6 (MANE Select); coding-DNA position 2735, T replaced by C.
Protein change: p.Phe912Ser; replaces phenylalanine 912 with serine.
Molecular consequence: missense variant. On other transcripts: 5 prime UTR variant (2).
Genome position (GRCh38, 1-based): chr15:40,217,552, T>C. VCF-style: chr15-40217552-T-C. GRCh37 (hg19) VCF-style: chr15-40509753-T-C.
Other names: c.-316T>C (NM_001128628.3); c.-233T>C (NM_001128629.3); short protein forms F912S.
Identifiers: ClinVar variation 1795333 (VCV001795333.3), dbSNP rs1376152577, ClinGen allele CA391687701.
Genomic context (GRCh38, chr15:40,217,552, plus strand): 5'-TCAGAATCCACGATCCCTATGATTGTAACAAGAACAATCAAGCTTTGAAGATAGTGGACT[T>C]TTCCTACAGTGTTGACCTTAGGGTGCAGCTGGATGTTTTTACCCTCAGCGGCTTTCGGAC-3'
Protein context (NP_001202.5, residues 902-922): KNNQALKIVD[Phe912Ser]SYSVDLRVQL

ClinVar aggregate classification (germline): Uncertain significance (1 of 4 stars; one submission).

Conditions:
Inborn genetic diseases. Identifiers: MedGen C0950123, MeSH D030342.

gnomAD v4.1: 16 of 1,614,188 alleles (0.00099%); highest among the groups gnomAD compares: Non-Finnish European, 0.0013%; no homozygotes.

Submission:

Ambry Genetics
Classification: Uncertain significance for Inborn genetic diseases. Last evaluated: 2025-06-17. Review status: criteria provided, single submitter. Criteria: Ambry Variant Classification Scheme 2023. Collection method: clinical testing. Allele origin: germline.
Comment: The p.F912S variant (also known as c.2735T>C), located in coding exon 21 of the BUB1B gene, results from a T to C substitution at nucleotide position 2735. The phenylalanine at codon 912 is replaced by serine, an amino acid with highly dissimilar properties. This amino acid position is conserved. In addition, this alteration is predicted to be deleterious by in silico analysis. Since supporting evidence is limited at this time, the clinical significance of this alteration remains unclear.